The following is an entry in ClinVar:

NM_005560.6(LAMA5):c.8332G>A (p.Glu2778Lys)

Gene: LAMA5 (laminin subunit alpha 5; minus strand). Cytogenetic location: 20q13.33.
Variant type: single nucleotide variant.
Coding change: c.8332G>A on transcript NM_005560.6 (MANE Select); coding-DNA position 8332, G replaced by A.
Protein change: p.Glu2778Lys; replaces glutamic acid 2778 with lysine.
Molecular consequence: missense variant.
Genome position (GRCh38, 1-based): chr20:62,314,590, C>T on the plus strand (G>A on the coding strand, the complement: LAMA5 is on the minus strand). VCF-style: chr20-62314590-C-T. GRCh37 (hg19) VCF-style: chr20-60889646-C-T.
Other names: c.8332G>A (NM_005560.3); short protein forms E2778K.
Identifiers: ClinVar variation 1910693 (VCV001910693.6), dbSNP rs370596123, ClinGen allele CA9940774.

ClinVar aggregate classification (germline): Uncertain significance. Review status: criteria provided, multiple submitters, no conflicts (2 of 4 stars). 2 submissions from 2 submitters: Uncertain significance (2). Last evaluated 2025-07-02.

Conditions:
Inborn genetic diseases. Identifiers: MedGen C0950123, MeSH D030342.

Allele frequency attached by ClinVar (database versions not stated): gnomAD 0.00001; gnomAD exomes 0.00001; TOPMed 0.00001; ExAC 0.00004; ESP Exome Variant Server 0.00008; 1000 Genomes Project 30x 0.00016; 1000 Genomes Project 0.00020.
gnomAD v4.1: 16 of 1,611,900 alleles (0.00099%); highest among the groups gnomAD compares: Middle Eastern, 0.017%; no homozygotes.

Submissions (2):

Ambry Genetics
Classification: Uncertain significance for Inborn genetic diseases. Last evaluated: 2025-07-02. Review status: criteria provided, single submitter. Criteria: Ambry Variant Classification Scheme 2023. Collection method: clinical testing. Allele origin: germline.

Labcorp Genetics (formerly Invitae), Labcorp
Classification: Uncertain significance. Last evaluated: 2022-04-30. Review status: criteria provided, single submitter. Criteria: Invitae Variant Classification Sherloc (09022015). Collection method: clinical testing. Allele origin: germline.
Comment: Algorithms developed to predict the effect of missense changes on protein structure and function (SIFT, PolyPhen-2, Align-GVGD) all suggest that this variant is likely to be tolerated. In summary, the available evidence is currently insufficient to determine the role of this variant in disease. Therefore, it has been classified as a Variant of Uncertain Significance. This variant has not been reported in the literature in individuals affected with LAMA5-related conditions. This variant is present in population databases (rs370596123, gnomAD 0.01%). This sequence change replaces glutamic acid, which is acidic and polar, with lysine, which is basic and polar, at codon 2778 of the LAMA5 protein (p.Glu2778Lys).